The following is an entry in ClinVar:

Conditions:
Breast-ovarian cancer, familial, susceptibility to, 1 (BROVCA1). Also called: BRCA1 Hereditary Breast and Ovarian Cancer; OVARIAN CANCER, SUSCEPTIBILITY TO. Identifiers: Orphanet 145, MedGen C2676676, MONDO:0011450, OMIM 604370. Disease mechanism: loss of function.

Allele frequency attached by ClinVar (database versions not stated): gnomAD exomes below 0.00001; TOPMed below 0.00001.
gnomAD v4.1: 4 of 1,614,064 alleles (0.00025%); highest among the groups gnomAD compares: Non-Finnish European, 0.00034%; no homozygotes.

Submission:

Brotman Baty Institute, University of Washington
No classification provided (evidence only). Condition: Breast-ovarian cancer, familial 1. Review status: no classification provided. Collection method: in vitro. Allele origin: not applicable. Functional consequence: functionally_normal.
ClinVar note: "not provided" was previously submitted as the classification for the variant. However, the classification appeared to be based only on an observation of functional data so it was converted to no classification on 2025-07-30.

NM_007294.4(BRCA1):c.5101C>G (p.Leu1701Val)

Gene: BRCA1 (BRCA1 DNA repair associated; minus strand). Cytogenetic location: 17q21.31.
Variant type: single nucleotide variant.
Coding change: c.5101C>G on transcript NM_007294.4 (MANE Select); coding-DNA position 5101, C replaced by G.
Protein change: p.Leu1701Val; replaces leucine 1701 with valine.
Molecular consequence: missense variant. On other transcripts: non-coding transcript variant (1).
Genome position (GRCh38, 1-based): chr17:43,063,925, G>C on the plus strand (C>G on the coding strand, the complement: BRCA1 is on the minus strand). VCF-style: chr17-43063925-G-C. GRCh37 (hg19) VCF-style: chr17-41215942-G-C.
Other names: c.4888C>G, p.Leu1630Val (NM_001407571.1, NM_001407894.1, NM_001407895.1 and 12 more transcripts); c.5167C>G, p.Leu1723Val (NM_001407581.1, NM_001407582.1); c.5164C>G, p.Leu1722Val (NM_001407583.1, NM_001407585.1, NM_001407587.1 and 1 more transcripts); c.5161C>G, p.Leu1721Val (NM_001407590.1, NM_001407591.1); c.5101C>G, p.Leu1701Val (NM_001407593.1, NM_001407594.1, NM_001407596.1 and 7 more transcripts); c.5098C>G, p.Leu1700Val (NM_001407615.1, NM_001407616.1, NM_001407617.1 and 17 more transcripts); c.5095C>G, p.Leu1699Val (NM_001407634.1, NM_001407635.1, NM_001407636.1 and 14 more transcripts); c.5020C>G, p.Leu1674Val (NM_001407657.1, NM_001407658.1, NM_001407656.1); and 71 more; short protein forms L1722V, L1701V, L1654V, L597V, L1532V, L1572V, L1632V, L1673V.
Identifiers: ClinVar variation 864951 (VCV000864951.3), dbSNP rs910555398, ClinGen allele CA10591327.